The following is an entry in ClinVar:

NM_001377.3(DYNC2H1):c.2417dup (p.Ile807fs)

Gene: DYNC2H1 (dynein cytoplasmic 2 heavy chain 1; plus strand). Cytogenetic location: 11q22.3.
Variant type: Duplication.
Coding change: c.2417dup on transcript NM_001377.3 (MANE Select); coding-DNA position 2417, one base duplicated (T; older notation c.2417dupT).
Protein change: p.Ile807fs; shifts the reading frame from isoleucine 807.
Molecular consequence: frameshift variant.
Genome position (GRCh38, 1-based): chr11:103,135,791, T duplicated; the last of 2 consecutive T bases (chr11:103,135,790-103,135,791); duplicating either gives the same sequence. VCF-style (leftmost placement, unchanged base first): chr11-103135789-A-AT. GRCh37 (hg19) VCF-style: chr11-103006518-A-AT.
Other names: c.2417dup, p.Ile807fs (NM_001080463.2); short protein forms I807fs.
Identifiers: ClinVar variation 5016071 (VCV005016071.1).
Genomic context (GRCh38, chr11:103,135,789, plus strand): 5'-ATTACAATTCAGGCCCCCTTTTGAAGAAATCCGGGCTAAATATTATAGAGAAATGAAGAG[A>AT]TTCATCGGCATTCCAAATCAGTTTAAGGGAGTGGGTGAGGCAGGAGATGAATCTATTTTT-3'

ClinVar aggregate classification (germline): Pathogenic (1 of 4 stars; one submission).

Conditions:
Asphyxiating thoracic dystrophy 3. Also called: SHORT-RIB THORACIC DYSPLASIA 3 WITH OR WITHOUT POLYDACTYLY; POLYDACTYLY WITH NEONATAL CHONDRODYSTROPHY, TYPE I; SHORT-RIB THORACIC DYSPLASIA 3/6 WITH POLYDACTYLY, DIGENIC; Short rib polydactyly syndrome 2B; Saldino-Noonan Syndrome. Identifiers: Orphanet 474, Orphanet 93269, Orphanet 93270, Orphanet 93271, MedGen C0036069, MONDO:0013127, OMIM 613091.

Submission:

Myriad Genetics, Inc.
Classification: Pathogenic for Asphyxiating thoracic dystrophy 3. Last evaluated: 2026-06-24. Review status: criteria provided, single submitter. Criteria: Myriad Autosomal Dominant, Autosomal Recessive and X-Linked Classification Criteria (2023). Collection method: clinical testing. Allele origin: unknown.
Comment: NM_001377.2(DYNC2H1):c.2417dupT(I807Hfs*8) is expected to be pathogenic in the context of DYNC2H1-related disorders. This variant is predicted to lead to an abnormal or absent protein product due to the creation of a premature termination codon in DYNC2H1, a gene where loss-of-function variants are known to be pathogenic. Please note: this variant was assessed in the context of healthy population screening.